The following is an entry in ClinVar:

NM_001042376.3(INS-IGF2):c.378T>G (p.Ala126=)

Genes: IGF2 (insulin like growth factor 2; minus strand), INS-IGF2 (INS-IGF2 readthrough; minus strand). Cytogenetic location: 11p15.5.
Variant type: single nucleotide variant.
Coding change: c.378T>G on transcript NM_001042376.3; coding-DNA position 378, T replaced by G.
Protein change: p.Ala126=; no amino-acid change (alanine 126 retained).
Molecular consequence: synonymous variant. On other transcripts: 5 prime UTR variant (1), non-coding transcript variant (1).
Genome position (GRCh38, 1-based): chr11:2,149,155, A>C on the plus strand (T>G on the coding strand, the complement: INS-IGF2 is on the minus strand). VCF-style: chr11-2149155-A-C. GRCh37 (hg19) VCF-style: chr11-2170385-A-C.
Other names: c.-278T>G (NM_001007139.6).
Identifiers: ClinVar variation 2641354 (VCV002641354.21), dbSNP rs1860164259, ClinGen allele CA472029031.

ClinVar aggregate classification (germline): Likely benign (1 of 4 stars; one submission).

Submission:

CeGaT Center for Human Genetics Tuebingen
Classification: Likely benign. Last evaluated: 2022-05-01. Review status: criteria provided, single submitter. Criteria: CeGaT Center For Human Genetics Tuebingen Variant Classification Criteria Version 2. Collection method: clinical testing. Allele origin: germline. Affected: yes. Observed: 1 variant allele.
Comment: AC132217.2: PM2:Supporting, BP4, BP7; INS-IGF2: PM2:Supporting, BP4, BP7